The following is an entry in ClinVar:

NM_001281775.3(ZMYND8):c.796G>T (p.Glu266Ter)

Gene: ZMYND8 (zinc finger MYND-type containing 8; minus strand). Cytogenetic location: 20q13.12.
Variant type: single nucleotide variant.
Coding change: c.796G>T on transcript NM_001281775.3 (MANE Select); coding-DNA position 796, G replaced by T.
Protein change: p.Glu266Ter; replaces glutamic acid 266 with a stop codon.
Molecular consequence: nonsense. On other transcripts: 5 prime UTR variant (2).
Genome position (GRCh38, 1-based): chr20:47,287,237, C>A on the plus strand (G>T on the coding strand, the complement: ZMYND8 is on the minus strand). VCF-style: chr20-47287237-C-A. GRCh37 (hg19) VCF-style: chr20-45915981-C-A.
Other names: c.721G>T, p.Glu241Ter (NM_001281771.3, NM_001281777.3, NM_001281778.3 and 4 more transcripts); c.736G>T, p.Glu246Ter (NM_001281772.3, NM_001281773.3, NM_001281774.3 and 1 more transcripts); c.796G>T, p.Glu266Ter (NM_001281776.3, NM_001281783.3, NM_012408.6 and 1 more transcripts); c.-140G>T (NM_001281779.3, NM_001281780.3); c.817G>T, p.Glu273Ter (NM_001363714.1); short protein forms E241*, E246*, E266*, E273*.
Identifiers: ClinVar variation 3906554 (VCV003906554.1).

ClinVar aggregate classification (germline): Uncertain significance (1 of 4 stars; one submission).

gnomAD v4.1: 1 of 1,613,746 alleles (0.000062%); highest among the groups gnomAD compares: Non-Finnish European, 0.000085%; no homozygotes.

Submission:

GeneDx
Classification: Uncertain significance. Last evaluated: 2024-12-21. Review status: criteria provided, single submitter. Criteria: GeneDx Variant Classification Process June 2021. Collection method: clinical testing. Allele origin: germline. Affected: yes.
Comment: Not observed at significant frequency in large population cohorts (gnomAD); Nonsense variant predicted to result in protein truncation or nonsense mediated decay in a gene or region of a gene for which loss of function is not a well-established mechanism of disease; Has not been previously published as pathogenic or benign to our knowledge